The following is an entry in ClinVar:

NM_001129820.2(SLFN14):c.1840T>C (p.Phe614Leu)

Gene: SLFN14 (schlafen family member 14; minus strand). Cytogenetic location: 17q12.
Variant type: single nucleotide variant.
Coding change: c.1840T>C on transcript NM_001129820.2 (MANE Select); coding-DNA position 1840, T replaced by C.
Protein change: p.Phe614Leu; replaces phenylalanine 614 with leucine.
Molecular consequence: missense variant.
Genome position (GRCh38, 1-based): chr17:35,552,794, A>G on the plus strand (T>C on the coding strand, the complement: SLFN14 is on the minus strand). VCF-style: chr17-35552794-A-G. GRCh37 (hg19) VCF-style: chr17-33879813-A-G.
Other names: short protein forms F614L.
Identifiers: ClinVar variation 2579302 (VCV002579302.2), dbSNP rs2509132929, ClinGen allele CA399123052.

ClinVar aggregate classification (germline): Uncertain significance. Review status: criteria provided, multiple submitters, no conflicts (2 of 4 stars). 2 submissions from 2 submitters: Uncertain significance (2). Last evaluated 2023-09-01.

Conditions:
Platelet-type bleeding disorder 20 (BDPLT20). Identifiers: Orphanet 466806, MedGen C4310797, MONDO:0014830, OMIM 616913.

Allele frequency attached by ClinVar (database versions not stated): gnomAD exomes 0.00001.
gnomAD v4.1: 12 of 1,551,484 alleles (0.00077%); highest among the groups gnomAD compares: African/African-American, 0.0027%; no homozygotes.

Submissions (2):

GeneDx
Classification: Uncertain significance. Last evaluated: 2023-09-01. Review status: criteria provided, single submitter. Criteria: GeneDx Variant Classification Process June 2021. Collection method: clinical testing. Allele origin: germline. Affected: yes.
Comment: Not observed at significant frequency in large population cohorts (gnomAD); In silico analysis supports that this missense variant has a deleterious effect on protein structure/function; Has not been previously published as pathogenic or benign to our knowledge

Baylor Genetics
Classification: Uncertain significance for Platelet-type bleeding disorder 20. Last evaluated: 2023-07-29. Review status: criteria provided, single submitter. Criteria: ACMG Guidelines, 2015. Collection method: clinical testing. Allele origin: unknown.